The following is an entry in ClinVar:

ClinVar aggregate classification (germline): Likely benign. Review status: criteria provided, multiple submitters, no conflicts (2 of 4 stars). 4 submissions from 4 submitters: Likely benign (4). Last evaluated 2025-10-07.

Conditions:
ALPK3-related disorder. Also called: ALPK3-related condition.
Cardiovascular phenotype. Identifiers: MedGen CN230736.

Allele frequency attached by ClinVar (database versions not stated): gnomAD exomes 0.00001; ExAC 0.00002; gnomAD 0.00003; TOPMed 0.00005; ESP Exome Variant Server 0.00008; 1000 Genomes Project 30x 0.00016.
gnomAD v4.1: 20 of 1,614,046 alleles (0.0012%); highest among the groups gnomAD compares: Admixed American, 0.005%; no homozygotes.

Submissions (4):

PreventionGenetics, part of Exact Sciences
Classification: Likely benign for ALPK3-related condition. Last evaluated: 2025-10-07. Review status: criteria provided, single submitter. Criteria: ACMG Guidelines, 2015. Collection method: clinical testing. Allele origin: germline.
Comment: This variant is classified as likely benign based on ACMG/AMP sequence variant interpretation guidelines (Richards et al. 2015 PMID: 25741868, with internal and published modifications).

Labcorp Genetics (formerly Invitae), Labcorp
Classification: Likely benign. Last evaluated: 2025-08-10. Review status: criteria provided, single submitter. Criteria: Invitae Variant Classification Sherloc (09022015). Collection method: clinical testing. Allele origin: germline.

Blueprint Genetics
Classification: Likely benign. Last evaluated: 2024-11-08. Review status: criteria provided, single submitter. Criteria: ACMG Guidelines, 2015. Collection method: clinical testing. Allele origin: germline.

Ambry Genetics
Classification: Likely benign for Cardiovascular phenotype. Last evaluated: 2021-02-02. Review status: criteria provided, single submitter. Criteria: Ambry Variant Classification Scheme 2023. Collection method: clinical testing. Allele origin: germline.

NM_020778.5(ALPK3):c.2235G>A (p.Ala745=)

Gene: ALPK3 (alpha kinase 3; plus strand). Cytogenetic location: 15q25.3.
Variant type: single nucleotide variant.
Coding change: c.2235G>A on transcript NM_020778.5 (MANE Select); coding-DNA position 2235, G replaced by A.
Protein change: p.Ala745=; no amino-acid change (alanine 745 retained).
Molecular consequence: synonymous variant.
Genome position (GRCh38, 1-based): chr15:84,856,973, G>A. VCF-style: chr15-84856973-G-A. GRCh37 (hg19) VCF-style: chr15-85400204-G-A.
Identifiers: ClinVar variation 1796725 (VCV001796725.9), dbSNP rs371325039, ClinGen allele CA7709370.